The following is an entry in ClinVar:

ClinVar aggregate classification (germline): Uncertain significance. Review status: criteria provided, multiple submitters, no conflicts (2 of 4 stars). 2 submissions from 2 submitters: Uncertain significance (2). Last evaluated 2022-12-01.

Conditions:
Inborn genetic diseases. Identifiers: MedGen C0950123, MeSH D030342.

Allele frequency attached by ClinVar (database versions not stated): gnomAD 0.00001.
gnomAD v4.1: 22 of 1,283,056 alleles (0.0017%); highest among the groups gnomAD compares: African/African-American, 0.0032%; no homozygotes.

Submissions (2):

Ambry Genetics
Classification: Uncertain significance for Inborn genetic diseases. Last evaluated: 2022-12-01. Review status: criteria provided, single submitter. Criteria: Ambry Variant Classification Scheme 2023. Collection method: clinical testing. Allele origin: germline.

GeneDx
Classification: Uncertain significance. Last evaluated: 2022-01-12. Review status: criteria provided, single submitter. Criteria: GeneDx Variant Classification Process June 2021. Collection method: clinical testing. Allele origin: germline. Affected: yes.
Comment: Not observed at significant frequency in large population cohorts (gnomAD); In silico analysis supports that this missense variant does not alter protein structure/function; Has not been previously published as pathogenic or benign to our knowledge

NM_015898.4(ZBTB7A):c.1555G>A (p.Gly519Ser)

Gene: ZBTB7A (zinc finger and BTB domain containing 7A; minus strand). Cytogenetic location: 19p13.3.
Variant type: single nucleotide variant.
Coding change: c.1555G>A on transcript NM_015898.4 (MANE Select); coding-DNA position 1555, G replaced by A.
Protein change: p.Gly519Ser; replaces glycine 519 with serine.
Molecular consequence: missense variant.
Genome position (GRCh38, 1-based): chr19:4,047,952, C>T on the plus strand (G>A on the coding strand, the complement: ZBTB7A is on the minus strand). VCF-style: chr19-4047952-C-T. GRCh37 (hg19) VCF-style: chr19-4047950-C-T.
Other names: c.1555G>A, p.Gly519Ser (NM_001317990.2); c.1555G>A (NM_015898.2); short protein forms G519S.
Identifiers: ClinVar variation 1697042 (VCV001697042.5), dbSNP rs1199965484, ClinGen allele CA403383358.